The following is an entry in ClinVar:

NM_024649.5(BBS1):c.479+2T>G

Gene: BBS1 (Bardet-Biedl syndrome 1; plus strand). Cytogenetic location: 11q13.2.
Variant type: single nucleotide variant.
Coding change: c.479+2T>G on transcript NM_024649.5 (MANE Select); the canonical splice donor site of the intron after coding-DNA position 479, T replaced by G.
Molecular consequence: splice donor variant.
Genome position (GRCh38, 1-based): chr11:66,515,588, T>G. VCF-style: chr11-66515588-T-G. GRCh37 (hg19) VCF-style: chr11-66283059-T-G.
Identifiers: ClinVar variation 551379 (VCV000551379.12), dbSNP rs1353098253, ClinGen allele CA381457393.

ClinVar aggregate classification (germline): Pathogenic/Likely pathogenic. Review status: criteria provided, multiple submitters, no conflicts (2 of 4 stars). 6 submissions from 6 submitters: Pathogenic (2); Likely pathogenic (3). 1 of the submissions does not count toward it. Last evaluated 2026-02-24.

Conditions:
Bardet-Biedl syndrome (BBS). Identifiers: Orphanet 110, MedGen C0752166, MONDO:0015229.
Bardet-Biedl syndrome 1 (BBS1). Identifiers: MedGen C2936862, MONDO:0008854, OMIM 209900. Disease mechanism: loss of function.

Allele frequency attached by ClinVar (database versions not stated): gnomAD exomes 0.00001; gnomAD 0.00002.
gnomAD v4.1: 8 of 1,613,978 alleles (0.0005%); highest among the groups gnomAD compares: Non-Finnish European, 0.00068%; no homozygotes.

Submissions (6):

Myriad Genetics, Inc.
Classification: Pathogenic for Bardet-Biedl syndrome 1. Last evaluated: 2026-02-24. Review status: criteria provided, single submitter. Criteria: Myriad Autosomal Dominant, Autosomal Recessive and X-Linked Classification Criteria (2023). Collection method: clinical testing. Allele origin: unknown.
Comment: NM_024649.4(BBS1):c.479+2T>G is a variant in a canonical splice site classified as pathogenic in the context of Bardet-Biedl syndrome, BBS1-related. c.479+2T>G has been observed in cases with relevant disease (PMID: 39092430). Relevant functional assessments of this variant are not available in the literature. c.479+2T>G has not been observed in referenced population frequency databases. In summary, NM_024649.4(BBS1):c.479+2T>G is a variant in a canonical splice site in a gene where loss of function is a known mechanism of disease, is predicted to disrupt protein function, and has been observed more frequently in cases with the relevant disease than in healthy populations. Please note: this variant was assessed in the context of healthy population screening.

Gharavi Laboratory, Columbia University
Classification: Pathogenic for Bardet-Biedl syndrome 1. Last evaluated: 2024-11-05. Review status: criteria provided, single submitter. Criteria: ACMG Guidelines, 2015. Collection method: case-control. Allele origin: germline. Affected: yes.
Comment: Compound heterozygote variant with NM_024649.5:c.268_272dupGCCAC

ENST00000318312

Baylor Genetics
Classification: Likely pathogenic for Bardet-Biedl syndrome 1. Last evaluated: 2023-05-03. Review status: criteria provided, single submitter. Criteria: ACMG Guidelines, 2015. Collection method: clinical testing. Allele origin: unknown.

Labcorp Genetics (formerly Invitae), Labcorp
Classification: Likely pathogenic for Bardet-Biedl syndrome. Last evaluated: 2023-04-22. Review status: criteria provided, single submitter. Criteria: Invitae Variant Classification Sherloc (09022015). Collection method: clinical testing. Allele origin: germline.
Comment: In summary, the currently available evidence indicates that the variant is pathogenic, but additional data are needed to prove that conclusively. Therefore, this variant has been classified as Likely Pathogenic. Algorithms developed to predict the effect of sequence changes on RNA splicing suggest that this variant may disrupt the consensus splice site. ClinVar contains an entry for this variant (Variation ID: 551379). This variant has not been reported in the literature in individuals affected with BBS1-related conditions. This variant is present in population databases (no rsID available, gnomAD 0.01%). This sequence change affects a donor splice site in intron 5 of the BBS1 gene. It is expected to disrupt RNA splicing. Variants that disrupt the donor or acceptor splice site typically lead to a loss of protein function (PMID: 16199547), and loss-of-function variants in BBS1 are known to be pathogenic (PMID: 12118255, 21520335, 27032803).

DNA-diagnostics Laboratory, Research Centre For Medical Genetics
Classification: Likely pathogenic for Bardet-Biedl syndrome 1. Review status: criteria provided, single submitter. Criteria: ACMG Guidelines, 2015. Collection method: clinical testing. Allele origin: germline. Affected: yes. Observed: 1 compound heterozygote.

Counsyl
Classification: Likely pathogenic for Bardet-Biedl syndrome 1. Last evaluated: 2017-04-05. Review status: no assertion criteria provided. Collection method: clinical testing. Allele origin: unknown. Not counted in ClinVar's aggregate classification.

Literature cited by the submitters: PubMed 39092430 (cited by Myriad Genetics, Inc.); PubMed 16199547 (cited by Labcorp Genetics (formerly Invitae), Labcorp); PubMed 12118255 (cited by Labcorp Genetics (formerly Invitae), Labcorp); PubMed 21520335 (cited by Labcorp Genetics (formerly Invitae), Labcorp); PubMed 27032803 (cited by Labcorp Genetics (formerly Invitae), Labcorp).